The following is an entry in ClinVar:

NM_015100.4(POGZ):c.1079-3C>G

Gene: POGZ (pogo transposable element derived with ZNF domain; minus strand). Cytogenetic location: 1q21.3.
Variant type: single nucleotide variant.
Coding change: c.1079-3C>G on transcript NM_015100.4 (MANE Select); 3 bases into the intron before coding-DNA position 1079, C replaced by G.
Molecular consequence: intron variant.
Genome position (GRCh38, 1-based): chr1:151,425,064, G>C on the plus strand (C>G on the coding strand, the complement: POGZ is on the minus strand). VCF-style: chr1-151425064-G-C. GRCh37 (hg19) VCF-style: chr1-151397540-G-C.
Other names: c.893-3C>G (NM_001194938.2); c.794-3C>G (NM_145796.4); c.1052-3C>G (NM_001194937.2); c.920-3C>G (NM_207171.2).
Identifiers: ClinVar variation 2215401 (VCV002215401.2), dbSNP rs2529456295, ClinGen allele CA2580061008.
Genomic context (GRCh38, chr1:151,425,064, plus strand): 5'-CGTGGACATATTTTCCGTCCACCATCCTGGAGGTCAAATACTGGGATGGAAGAGGTCACT[G>C]AAAGAAGTGAGAAGAATTGATAAGATTAATACAATGACACTGGAAAAAGATTACTGACCT-3'

ClinVar aggregate classification (germline): Uncertain significance (1 of 4 stars; one submission).

Conditions:
Inborn genetic diseases. Identifiers: MedGen C0950123, MeSH D030342.

Submission:

Ambry Genetics
Classification: Uncertain significance for Inborn genetic diseases. Last evaluated: 2020-09-25. Review status: criteria provided, single submitter. Criteria: Ambry Variant Classification Scheme 2023. Collection method: clinical testing. Allele origin: germline.
Comment: The alteration results in an intronic nucleotide change:_x000D_ _x000D_ The c.1079-3C>G intronic alteration consists of a C to G substitution 3 nucleotides before coding exon 7 in the POGZ gene. Based on data from the Genome Aggregation Database (gnomAD), the POGZ c.1079-3C>G alteration was not observed, with coverage at this position. This nucleotide position is well conserved in available vertebrate species. In silico splice site analysis predicts that this alteration will weaken the native splice acceptor site. Based on insufficient or conflicting evidence, the clinical significance of this alteration remains unclear.